The following is an entry in ClinVar:

ClinVar aggregate classification (germline): Benign/Likely benign. Review status: criteria provided, multiple submitters, no conflicts (2 of 4 stars). 13 submissions from 12 submitters: Benign (2); Likely benign (9). 2 of the submissions do not count toward it. Last evaluated 2026-03-27.

Conditions:
TTN-related disorder. Also called: TTN-related condition; TTN-related disease; TTN-related disorders.
Cardiovascular phenotype. Identifiers: MedGen CN230736.
Autosomal recessive limb-girdle muscular dystrophy type 2J (LGMDR10). Also called: Limb-girdle muscular dystrophy, type 2J; MUSCULAR DYSTROPHY, LIMB-GIRDLE, AUTOSOMAL RECESSIVE 10. Identifiers: Orphanet 140922, MedGen C1837342, MONDO:0012127, OMIM 608807.
Dilated cardiomyopathy 1G (CMD1G). Identifiers: Orphanet 154, MedGen C1858763, MONDO:0011400, OMIM 604145.
Cardiomyopathy (CMYO). Also called: Cardiomyopathies. Identifiers: Orphanet 167848, MedGen C0878544, MONDO:0004994, HP:0001638. Inheritance: Various modes of inheritance.

Allele frequency attached by ClinVar (database versions not stated): gnomAD exomes 0.00011 and 0.00030; ExAC 0.00035; gnomAD 0.00089 and 0.00090; 1000 Genomes Project 0.00100; TOPMed 0.00108; ESP Exome Variant Server 0.00139; 1000 Genomes Project 30x 0.00141.
gnomAD v4.1: 298 of 1,613,550 alleles (0.018%); highest among the groups gnomAD compares: African/African-American, 0.27%; no homozygotes.

Submissions (13):

Molecular Diagnostic Laboratory for Inherited Cardiovascular Disease, Montreal Heart Institute
Classification: Likely benign. Last evaluated: 2026-03-27. Review status: criteria provided, single submitter. Criteria: ACMG Guidelines, 2015. Collection method: clinical testing. Allele origin: germline. Affected: no.

Labcorp Genetics (formerly Invitae), Labcorp
Classification: Likely benign for Dilated cardiomyopathy 1G; Autosomal recessive limb-girdle muscular dystrophy type 2J. Last evaluated: 2026-02-02. Review status: criteria provided, single submitter. Criteria: Invitae Variant Classification Sherloc (09022015). Collection method: clinical testing. Allele origin: germline.

Women's Health and Genetics/Laboratory Corporation of America, LabCorp
Classification: Likely benign. Last evaluated: 2025-03-10. Review status: criteria provided, single submitter. Criteria: LabCorp Variant Classification Summary - May 2015. Collection method: clinical testing. Allele origin: germline.
Comment: Variant summary: TTN c.88394G>A (p.Arg29465His) results in a non-conservative amino acid change located in the A-band of the encoded protein sequence. Three of five in-silico tools predict a damaging effect of the variant on protein function. The variant allele was found at a frequency of 0.0003 in 248528 control chromosomes, predominantly at a frequency of 0.0032 within the African or African-American subpopulation in the gnomAD database. The observed variant frequency within African or African-American control individuals in the gnomAD database is approximately 8.19 fold of the estimated maximal expected allele frequency for a pathogenic variant in TTN causing Dilated Cardiomyopathy phenotype (0.00039). c.88394G>A has has been reported in the literature in individuals affected with Dilated Cardiomyopathy, HCM and sudden unexplained death, without strong evidence for causality (e.g., Pugh_2014, Mademont-Soler_2017, Campuzano_2015, Burstein_2021). These report(s) do not provide unequivocal conclusions about association of the variant with Dilated Cardiomyopathy. To our knowledge, no experimental evidence demonstrating an impact on protein function has been reported. The following publications have been ascertained in the context of this evaluation (PMID: 24503780, 28771489, 26516846, 32746448). ClinVar contains an entry for this variant (Variation ID: 47562). Based on the evidence outlined above, the variant was classified as likely benign.

Laboratory of Genetics, Children's Clinical University Hospital Latvia
Classification: Likely benign. Last evaluated: 2025-02-16. Review status: criteria provided, single submitter. Criteria: ACMG Guidelines, 2015. Collection method: clinical testing. Allele origin: germline. Affected: yes.

Blueprint Genetics
Classification: Likely benign. Last evaluated: 2024-04-23. Review status: criteria provided, single submitter. Criteria: ACMG Guidelines, 2015. Collection method: clinical testing. Allele origin: germline.

Athena Diagnostics
Classification: Benign. Last evaluated: 2023-10-30. Review status: criteria provided, single submitter. Criteria: Athena Diagnostics Criteria. Collection method: clinical testing. Allele origin: unknown.

Ambry Genetics
Classification: Likely benign for Cardiovascular phenotype. Last evaluated: 2023-05-25. Review status: criteria provided, single submitter. Criteria: Ambry Variant Classification Scheme 2023. Collection method: clinical testing. Allele origin: germline.

GeneDx
Classification: Likely benign. Last evaluated: 2021-09-20. Review status: criteria provided, single submitter. Criteria: GeneDx Variant Classification Process June 2021. Collection method: clinical testing. Allele origin: germline. Affected: yes.
Comment: This variant is associated with the following publications: (PMID: 24503780)

CHEO Genetics Diagnostic Laboratory, Children's Hospital of Eastern Ontario
Classification: Benign for Cardiomyopathy. Last evaluated: 2020-12-22. Review status: criteria provided, single submitter. Criteria: ACMG Guidelines, 2015. Collection method: clinical testing. Allele origin: germline.

Eurofins Ntd Llc (ga)
Classification: Likely benign. Last evaluated: 2015-06-11. Review status: criteria provided, single submitter. Criteria: EGL Classification Definitions 2015. Collection method: clinical testing. Allele origin: germline. Observed: 1 variant allele, 1 heterozygote.

Laboratory for Molecular Medicine, Mass General Brigham Personalized Medicine
Classification: Likely benign. Last evaluated: 2012-04-18. Review status: criteria provided, single submitter. Criteria: LMM Criteria. Collection method: clinical testing. Allele origin: germline. Observed: 2 variant alleles.
Comment: Arg29465His in Exon 295 of TTN: This variant is not expected to have clinical si gnificance because it has been identified in 0.4% (14/3210) of African American chromosomes from a broad population by the NHLBI Exome Sequencing Project. Arg29465His in Exon 295 of TTN (allele frequency = 0.4%, 14/3210) **

PreventionGenetics, part of Exact Sciences
Classification: Likely benign for TTN-related condition. Last evaluated: 2022-05-16. Review status: no assertion criteria provided. Collection method: clinical testing. Allele origin: germline. Not counted in ClinVar's aggregate classification.
Comment: This variant is classified as likely benign based on ACMG/AMP sequence variant interpretation guidelines (Richards et al. 2015 PMID: 25741868, with internal and published modifications).

Ambry Genetics
Classification: Uncertain significance for Cardiovascular phenotype. Last evaluated: 2013-11-21. Review status: flagged submission. Criteria: Ambry Autosomal Dominant and X-Linked criteria (10/2015). Collection method: clinical testing. Allele origin: germline. Observed: 1 variant allele. Not counted in ClinVar's aggregate classification.
Comment: The p.R29465H variant (also known as c.88394G>A) is located in coding exon 294 of the TTN gene. This alteration results from a G to A substitution at nucleotide position 88394. The arginine at codon 29465 is replaced by histidine, an amino acid with some highly similar properties. Ã¢â‚¬â€¹This variant was previously reported in the SNPDatabase as rs200648462. Based on data from the NHLBI Exome Sequencing Project (ESP), the A-allele has an overall frequency of approximately 0.14% (17/12,192), having been observed in 0.39% (15/3896) of African American alleles, and in 0.02% (2/8296) of European American alleles studied.This amino acid position is highly conserved on sequence alignment.This variant is predicted to be probably damaging by PolyPhen in silico analyses. Since supporting evidence is limited at this time, the clinical significance of p.R29465H remains unclear.
ClinVar note: Reason: This record appears to be redundant with a more recent record from the same submitter.
ClinVar note: Notes: SCV000319160 appears to be redundant with SCV003945343.

Literature cited by the submitters: PubMed 24503780 (cited by Women's Health and Genetics/Laboratory Corporation of America, LabCorp and Athena Diagnostics); PubMed 28771489 (cited by Women's Health and Genetics/Laboratory Corporation of America, LabCorp and Athena Diagnostics); PubMed 26516846 (cited by Women's Health and Genetics/Laboratory Corporation of America, LabCorp and Athena Diagnostics); PubMed 32746448 (cited by Women's Health and Genetics/Laboratory Corporation of America, LabCorp and Athena Diagnostics).

NM_001267550.2(TTN):c.96098G>A (p.Arg32033His)

Genes: TTN (titin; minus strand), TTN-AS1 (TTN antisense RNA 1; plus strand), LOC126806421 (CDK7 strongly-dependent group 2 enhancer GRCh37_chr2:179407630-179408829; plus strand). Cytogenetic location: 2q31.2.
Variant type: single nucleotide variant.
Coding change: c.96098G>A on transcript NM_001267550.2 (MANE Select); coding-DNA position 96098, G replaced by A.
Protein change: p.Arg32033His; replaces arginine 32033 with histidine.
Molecular consequence: missense variant.
Genome position (GRCh38, 1-based): chr2:178,544,046, C>T on the plus strand (G>A on the coding strand, the complement: TTN is on the minus strand). VCF-style: chr2-178544046-C-T. GRCh37 (hg19) VCF-style: chr2-179408773-C-T.
Other names: p.R30392H:CGC>CAC; c.96098G>A (NM_001267550.1); c.68903G>A, p.Arg22968His (NM_003319.4); c.69278G>A, p.Arg23093His (NM_133432.3); c.69479G>A, p.Arg23160His (NM_133437.4); c.91175G>A, p.Arg30392His (NM_001256850.1); c.88394G>A, p.Arg29465His (NM_133378.4); short protein forms R32033H, R29465H, R30392H, R22968H, R23093H, R23160H.
Identifiers: ClinVar variation 47562 (VCV000047562.35), dbSNP rs200648462, ClinGen allele CA141353.